The following is an entry in ClinVar:

NM_000214.3(JAG1):c.1578C>T (p.Ile526=)

Gene: JAG1 (jagged canonical Notch ligand 1; minus strand). Cytogenetic location: 20p12.2.
Variant type: single nucleotide variant.
Coding change: c.1578C>T on transcript NM_000214.3 (MANE Select); coding-DNA position 1578, C replaced by T.
Protein change: p.Ile526=; no amino-acid change (isoleucine 526 retained).
Molecular consequence: synonymous variant.
Genome position (GRCh38, 1-based): chr20:10,648,102, G>A on the plus strand (C>T on the coding strand, the complement: JAG1 is on the minus strand). VCF-style: chr20-10648102-G-A. GRCh37 (hg19) VCF-style: chr20-10628750-G-A.
Other names: c.1578C>T, p.Ile526= (LRG_1191t1).
Identifiers: ClinVar variation 255549 (VCV000255549.52), dbSNP rs1801139, ClinGen allele CA9764807.

ClinVar aggregate classification (germline): Benign/Likely benign. Review status: criteria provided, multiple submitters, no conflicts (2 of 4 stars). 14 submissions from 14 submitters: Benign (4); Likely benign (7). 3 of the submissions do not count toward it. Last evaluated 2026-09-01.

Conditions:
Isolated Nonsyndromic Congenital Heart Disease.
Tetralogy of Fallot (TOF). Identifiers: Orphanet 3303, MedGen C0039685, MONDO:0008542, OMIM 187500, HP:0001636.
Deafness, congenital heart defects, and posterior embryotoxon (DCHE). Identifiers: MedGen C1866053, MONDO:0060713, OMIM 617992.
Charcot-Marie-Tooth disease, axonal, Type 2HH. Also called: CHARCOT-MARIE-TOOTH NEUROPATHY, TYPE 2HH. Identifiers: MedGen C5562003, MONDO:0030458, OMIM 619574.
Alagille syndrome due to a JAG1 point mutation. Also called: Alagille Syndrome 1; JAG1-Related Alagille Syndrome; HEPATIC DUCTULAR HYPOPLASIA, SYNDROMATIC. Identifiers: Orphanet 261619, Orphanet 52, MedGen C1956125, MONDO:0016862, OMIM 118450.
Cardiovascular phenotype. Identifiers: MedGen CN230736.

Allele frequency attached by ClinVar (database versions not stated): 1000 Genomes Project 30x 0.00031; 1000 Genomes Project 0.00040; gnomAD 0.00092 and 0.00101; TOPMed 0.00093; gnomAD exomes 0.00128; ExAC 0.00139; ESP Exome Variant Server 0.00154.
gnomAD v4.1: 2,032 of 1,614,152 alleles (0.13%); highest among the groups gnomAD compares: South Asian, 0.32%; 7 homozygotes.

Submissions (14):

CeGaT Center for Human Genetics Tuebingen
Classification: Likely benign. Last evaluated: 2026-09-01. Review status: criteria provided, single submitter. Criteria: CeGaT Center For Human Genetics Tuebingen Variant Classification Criteria Version 2. Collection method: clinical testing. Allele origin: germline. Affected: yes. Observed: 12 variant alleles.
Comment: JAG1: BP4, BP7, BS1

Labcorp Genetics (formerly Invitae), Labcorp
Classification: Benign for Alagille syndrome due to a JAG1 point mutation. Last evaluated: 2026-01-25. Review status: criteria provided, single submitter. Criteria: Invitae Variant Classification Sherloc (09022015). Collection method: clinical testing. Allele origin: germline.

Blueprint Genetics
Classification: Likely benign. Last evaluated: 2024-11-22. Review status: criteria provided, single submitter. Criteria: ACMG Guidelines, 2015. Collection method: clinical testing. Allele origin: germline.

Women's Health and Genetics/Laboratory Corporation of America, LabCorp
Classification: Benign. Last evaluated: 2024-10-27. Review status: criteria provided, single submitter. Criteria: LabCorp Variant Classification Summary - May 2015. Collection method: clinical testing. Allele origin: germline.

Fulgent Genetics
Classification: Likely benign for Alagille syndrome due to a JAG1 point mutation; Tetralogy of Fallot; Deafness, congenital heart defects, and posterior embryotoxon; Charcot-Marie-Tooth disease, axonal, Type 2HH. Last evaluated: 2021-07-28. Review status: criteria provided, single submitter. Criteria: ACMG Guidelines, 2015. Collection method: clinical testing. Allele origin: unknown.

Ambry Genetics
Classification: Likely benign for Cardiovascular phenotype. Last evaluated: 2018-09-11. Review status: criteria provided, single submitter. Criteria: Ambry Variant Classification Scheme 2023. Collection method: clinical testing. Allele origin: germline.

Illumina Laboratory Services, Illumina
Classification: Benign for Isolated Nonsyndromic Congenital Heart Disease. Last evaluated: 2018-01-13. Review status: criteria provided, single submitter. Criteria: ICSL Variant Classification Criteria 13 December 2019. Collection method: clinical testing. Allele origin: germline.
Comment: This variant was observed in the ICSL laboratory as part of a predisposition screen in an ostensibly healthy population. It had not been previously curated by ICSL or reported in the Human Gene Mutation Database (HGMD: prior to June 1st, 2018), and was therefore a candidate for classification through an automated scoring system. Utilizing variant allele frequency, disease prevalence and penetrance estimates, and inheritance mode, an automated score was calculated to assess if this variant is too frequent to cause the disease. Based on the score and internal cut-off values, a variant classified as benign is not then subjected to further curation. The score for this variant resulted in a classification of benign for this disease.

Eurofins Ntd Llc (ga)
Classification: Likely benign. Last evaluated: 2016-12-15. Review status: criteria provided, single submitter. Criteria: EGL Classification Definitions 2015. Collection method: clinical testing. Allele origin: germline. Observed: 1 variant allele, 1 heterozygote.

GeneDx
Classification: Benign. Last evaluated: 2015-03-03. Review status: criteria provided, single submitter. Criteria: GeneDx Variant Classification Process June 2021. Collection method: clinical testing. Allele origin: germline. Affected: yes.

Breakthrough Genomics
Classification: Likely benign. Review status: criteria provided, single submitter. Criteria: ACMG Guidelines, 2015. Collection method: not provided. Allele origin: germline. Inheritance: Autosomal dominant inheritance. Affected: yes.

PreventionGenetics, part of Exact Sciences
Classification: Likely benign. Review status: criteria provided, single submitter. Criteria: ACMG Guidelines, 2015. Collection method: clinical testing. Allele origin: germline.

Clinical Genetics DNA and cytogenetics Diagnostics Lab, Erasmus MC, Erasmus Medical Center
Classification: Benign. Review status: no assertion criteria provided. Collection method: clinical testing. Allele origin: germline. Affected: yes. Study: VKGL Data-share Consensus. Not counted in ClinVar's aggregate classification.

Clinical Genetics, Academic Medical Center
Classification: Benign. Review status: no assertion criteria provided. Collection method: clinical testing. Allele origin: germline. Affected: yes. Study: VKGL Data-share Consensus. Not counted in ClinVar's aggregate classification.

Genome Diagnostics Laboratory, University Medical Center Utrecht
Classification: Likely benign. Review status: no assertion criteria provided. Collection method: clinical testing. Allele origin: germline. Affected: yes. Study: VKGL Data-share Consensus. Not counted in ClinVar's aggregate classification.